The following is an entry in ClinVar:

NM_024529.5(CDC73):c.1067-2_1069del

Gene: CDC73 (cell division cycle 73; plus strand). Cytogenetic location: 1q31.2.
Variant type: Deletion.
Coding change: c.1067-2_1069del on transcript NM_024529.5 (MANE Select); the canonical splice acceptor site of the intron before coding-DNA position 1067 through coding-DNA position 1069, 5 bases deleted (AGGAT; older notation c.1067-2_1069delAGGAT).
Molecular consequence: splice acceptor variant.
Genome position (GRCh38, 1-based): chr1:193,212,388-193,212,392, AGGAT deleted; deleting any 5 consecutive bases within chr1:193,212,386-193,212,392 gives the same sequence; the c. name uses the placement nearest the transcript's 3' end. VCF-style (leftmost placement, unchanged base first): chr1-193212385-TATAGG-T. GRCh37 (hg19) VCF-style: chr1-193181515-TATAGG-T.
Identifiers: ClinVar variation 1068394 (VCV001068394.7), dbSNP rs2102038469, ClinGen allele CA2499214363.

ClinVar aggregate classification (germline): Likely pathogenic (1 of 4 stars; one submission).

Conditions:
Parathyroid carcinoma (PRTC). Also called: CDC73-Related Parathyroid Carcinoma; Parathyroid gland carcinoma. Identifiers: Orphanet 143, MedGen C0687150, MONDO:0012004, OMIM 608266, HP:0006780.

Submission:

Labcorp Genetics (formerly Invitae), Labcorp
Classification: Likely pathogenic for Parathyroid carcinoma. Last evaluated: 2020-07-26. Review status: criteria provided, single submitter. Criteria: Invitae Variant Classification Sherloc (09022015). Collection method: clinical testing. Allele origin: germline.
Comment: This variant has not been reported in the literature in individuals with CDC73-related conditions. This variant is not present in population databases (ExAC no frequency). This variant is a deletion of part of exon 13 (c.1067-2_1069del) of the CDC73 gene. It is expected to disrupt RNA splicing and likely results in an absent or disrupted protein product. Algorithms developed to predict the effect of sequence changes on RNA splicing suggest that this variant may disrupt the consensus splice site, but this prediction has not been confirmed by published transcriptional studies. In summary, the currently available evidence indicates that the variant is pathogenic, but additional data are needed to prove that conclusively. Therefore, this variant has been classified as Likely Pathogenic. Loss-of-function variants in CDC73 are known to be pathogenic (PMID: 12434154).

Literature cited by the submitters: PubMed 12434154.